The following is an entry in ClinVar:

NM_001999.4(FBN2):c.6985C>T (p.Arg2329Ter)

Gene: FBN2 (fibrillin 2; minus strand). Cytogenetic location: 5q23.3.
Variant type: single nucleotide variant.
Coding change: c.6985C>T on transcript NM_001999.4 (MANE Select); coding-DNA position 6985, C replaced by T.
Protein change: p.Arg2329Ter; replaces arginine 2329 with a stop codon.
Molecular consequence: nonsense.
Genome position (GRCh38, 1-based): chr5:128,286,745, G>A on the plus strand (C>T on the coding strand, the complement: FBN2 is on the minus strand). VCF-style: chr5-128286745-G-A. GRCh37 (hg19) VCF-style: chr5-127622437-G-A.
Other names: short protein forms R2329*.
Identifiers: ClinVar variation 1429718 (VCV001429718.7), dbSNP rs1287289593, ClinGen allele CA360758783.

ClinVar aggregate classification (germline): Conflicting classifications of pathogenicity. Review status: criteria provided, conflicting classifications (1 of 4 stars). 2 submissions from 2 submitters: Pathogenic (1); Uncertain significance (1). Last evaluated 2025-04-14.

Conditions:
Congenital contractural arachnodactyly (CCA). Also called: BEALS SYNDROME; Beals-Hecht syndrome; Arthrogryposis, distal, type 9. Identifiers: Orphanet 115, MedGen C0220668, MONDO:0007363, OMIM 121050.

Allele frequency attached by ClinVar (database versions not stated): TOPMed below 0.00001.
gnomAD v4.1: 1 of 1,614,112 alleles (0.000062%); no homozygotes.

Submissions (2):

Laboratory of Molecular Genetics, CHU Rennes
Classification: Pathogenic for Congenital contractural arachnodactyly. Last evaluated: 2025-04-14. Review status: criteria provided, single submitter. Criteria: ACMG Guidelines, 2015. Collection method: clinical testing. Allele origin: de novo. Affected: yes.

Labcorp Genetics (formerly Invitae), Labcorp
Classification: Uncertain significance for Congenital contractural arachnodactyly. Last evaluated: 2021-02-03. Review status: criteria provided, single submitter. Criteria: Invitae Variant Classification Sherloc (09022015). Collection method: clinical testing. Allele origin: germline.
Comment: In summary, the available evidence is currently insufficient to determine the role of this variant in disease. Therefore, it has been classified as a Variant of Uncertain Significance. This variant has not been reported in the literature in individuals with FBN2-related conditions. This variant is not present in population databases (ExAC no frequency). This sequence change creates a premature translational stop signal (p.Arg2329*) in the FBN2 gene. It is expected to result in an absent or disrupted protein product. However, the current clinical and genetic evidence is not sufficient to establish whether loss-of-function variants in FBN2 cause disease.